The following is an entry in ClinVar:

NM_000263.4(NAGLU):c.348C>T (p.Ala116=)

Gene: NAGLU (N-acetyl-alpha-glucosaminidase; plus strand). Cytogenetic location: 17q21.2.
Variant type: single nucleotide variant.
Coding change: c.348C>T on transcript NM_000263.4 (MANE Select); coding-DNA position 348, C replaced by T.
Protein change: p.Ala116=; no amino-acid change (alanine 116 retained).
Molecular consequence: synonymous variant.
Genome position (GRCh38, 1-based): chr17:42,536,620, C>T. VCF-style: chr17-42536620-C-T. GRCh37 (hg19) VCF-style: chr17-40688638-C-T.
Other names: p.Ala116=.
Identifiers: ClinVar variation 323294 (VCV000323294.17), dbSNP rs559674042, ClinGen allele CA8576704.
Genomic context (GRCh38, chr17:42,536,620, plus strand): 5'-CTGTGGCTGCCACGTGGCCTGGTCCGGCTCTCAGCTGCGCCTGCCGCGGCCACTGCCAGC[C>T]GTGCCGGGGGAGCTGACCGAGGCCACGCCCAACAGGTACCGCCCCGAAGCTTCCCCGCGT-3'
Protein context (NP_000254.2, residues 106-126): SQLRLPRPLP[Ala116=]VPGELTEATP

ClinVar aggregate classification (germline): Conflicting classifications of pathogenicity. Review status: criteria provided, conflicting classifications (1 of 4 stars). 4 submissions from 4 submitters: Uncertain significance (1); Likely benign (3). Last evaluated 2026-01-27.

Conditions:
Charcot-Marie-Tooth disease axonal type 2V. Also called: CHARCOT-MARIE-TOOTH NEUROPATHY, TYPE 2V; CHARCOT-MARIE-TOOTH DISEASE, AXONAL, AUTOSOMAL DOMINANT, TYPE 2V. Identifiers: Orphanet 447964, MedGen C5569050, MONDO:0014665, OMIM 616491.
Mucopolysaccharidosis, MPS-III-B (MPS3B). Also called: Mucopolysaccharidosis type IIIB (Sanfilippo B); MPS IIIB (Sanfilippo Syndrome Type B); MPS III B; N-ACETYL-ALPHA-D-GLUCOSAMINIDASE DEFICIENCY; NAGLU DEFICIENCY; MUCOPOLYSACCHARIDOSIS, TYPE IIIB. Identifiers: Orphanet 79270, MedGen C0086648, MONDO:0009656, OMIM 252920.

Allele frequency attached by ClinVar (database versions not stated): TOPMed 0.00017; gnomAD exomes 0.00018; ExAC 0.00025; gnomAD 0.00016; 1000 Genomes Project 0.00040; 1000 Genomes Project 30x 0.00016.
gnomAD v4.1: 546 of 1,496,288 alleles (0.036%); highest among the groups gnomAD compares: Non-Finnish European, 0.045%; no homozygotes.

Submissions (4):

Labcorp Genetics (formerly Invitae), Labcorp
Classification: Likely benign for Charcot-Marie-Tooth disease axonal type 2V; Mucopolysaccharidosis, MPS-III-B. Last evaluated: 2026-01-27. Review status: criteria provided, single submitter. Criteria: Invitae Variant Classification Sherloc (09022015). Collection method: clinical testing. Allele origin: germline.

Mayo Clinic Laboratories, Mayo Clinic
Classification: Likely benign. Last evaluated: 2025-01-02. Review status: criteria provided, single submitter. Criteria: ACMG Guidelines, 2015. Collection method: clinical testing. Allele origin: germline. Observed: 1 variant allele.
Comment: BP4, BP7

Blueprint Genetics
Classification: Likely benign. Last evaluated: 2024-10-31. Review status: criteria provided, single submitter. Criteria: ACMG Guidelines, 2015. Collection method: clinical testing. Allele origin: germline.

Illumina Laboratory Services, Illumina
Classification: Uncertain significance for Mucopolysaccharidosis, MPS-III-B. Last evaluated: 2018-01-12. Review status: criteria provided, single submitter. Criteria: ICSL Variant Classification Criteria 13 December 2019. Collection method: clinical testing. Allele origin: germline.